The following is an entry in ClinVar:

NM_003070.5(SMARCA2):c.4024C>T (p.Arg1342Trp)

Gene: SMARCA2 (SWI/SNF related BAF chromatin remodeling complex subunit ATPase 2; plus strand). Cytogenetic location: 9p24.3.
Variant type: single nucleotide variant.
Coding change: c.4024C>T on transcript NM_003070.5 (MANE Select); coding-DNA position 4024, C replaced by T.
Protein change: p.Arg1342Trp; replaces arginine 1342 with tryptophan.
Molecular consequence: missense variant.
Genome position (GRCh38, 1-based): chr9:2,161,728, C>T. VCF-style: chr9-2161728-C-T. GRCh37 (hg19) VCF-style: chr9-2161728-C-T.
Other names: c.4024C>T, p.Arg1342Trp (NM_001289396.2, NM_139045.4); c.3850C>T, p.Arg1284Trp (NM_001289397.2); c.52C>T, p.Arg18Trp (NM_001289398.2); c.136C>T, p.Arg46Trp (NM_001289399.2); c.142C>T, p.Arg48Trp (NM_001289400.2); short protein forms R1284W, R1342W, R18W, R46W, R48W.
Identifiers: ClinVar variation 4685099 (VCV004685099.1).
Genomic context (GRCh38, chr9:2,161,728, plus strand): 5'-TTTGTTTCCAACGAACAGGCCATCGAAGACGGCAATTTGGAGGAAATGGAAGAGGAAGTA[C>T]GGCTTAAGAAGCGAAAAAGACGAAGAAATGTGGATAAAGATCCTGCAAAAGAAGATGTGG-3'
Protein context (NP_003061.3, residues 1332-1352): GNLEEMEEEV[Arg1342Trp]LKKRKRRRNV

ClinVar aggregate classification (germline): Likely pathogenic (1 of 4 stars; one submission).

gnomAD v4.1: 4 of 1,613,834 alleles (0.00025%); highest among the groups gnomAD compares: Non-Finnish European, 0.00025%; no homozygotes.

Submission:

GeneDx
Classification: Likely pathogenic. Last evaluated: 2025-07-08. Review status: criteria provided, single submitter. Criteria: GeneDx Variant Classification Process June 2021. Collection method: clinical testing. Allele origin: germline. Affected: yes.
Comment: Not observed at significant frequency in large population cohorts (gnomAD); In silico analysis supports that this missense variant has a deleterious effect on protein structure/function; Has not been previously published as pathogenic or benign to our knowledge